The following is an entry in ClinVar:

ClinVar aggregate classification (germline): Uncertain significance (1 of 4 stars; one submission).

Conditions:
Familial hemophagocytic lymphohistiocytosis 2 (FHL2). Also called: PRF1-Related Familial Hemophagocytic Lymphohistiocytosis (PRF1-fHLH). Identifiers: Orphanet 540, MedGen C1863727, MONDO:0011337, OMIM 603553.

Allele frequency attached by ClinVar (database versions not stated): gnomAD exomes 0.00001; TOPMed 0.00001; ExAC 0.00002.

Submission:

Labcorp Genetics (formerly Invitae), Labcorp
Classification: Uncertain significance for Familial hemophagocytic lymphohistiocytosis 2. Last evaluated: 2022-05-13. Review status: criteria provided, single submitter. Criteria: Invitae Variant Classification Sherloc (09022015). Collection method: clinical testing. Allele origin: germline.
Comment: This sequence change replaces isoleucine, which is neutral and non-polar, with valine, which is neutral and non-polar, at codon 460 of the PRF1 protein (p.Ile460Val). This variant is present in population databases (rs772281903, gnomAD 0.02%). This variant has not been reported in the literature in individuals affected with PRF1-related conditions. Algorithms developed to predict the effect of missense changes on protein structure and function output the following: SIFT: "Tolerated"; PolyPhen-2: "Benign"; Align-GVGD: "Class C0". The valine amino acid residue is found in multiple mammalian species, which suggests that this missense change does not adversely affect protein function. In summary, the available evidence is currently insufficient to determine the role of this variant in disease. Therefore, it has been classified as a Variant of Uncertain Significance.

NM_001083116.3(PRF1):c.1378A>G (p.Ile460Val)

Gene: PRF1 (perforin 1; minus strand). Cytogenetic location: 10q22.1.
Variant type: single nucleotide variant.
Coding change: c.1378A>G on transcript NM_001083116.3 (MANE Select); coding-DNA position 1378, A replaced by G.
Protein change: p.Ile460Val; replaces isoleucine 460 with valine.
Molecular consequence: missense variant.
Genome position (GRCh38, 1-based): chr10:70,598,343, T>C on the plus strand (A>G on the coding strand, the complement: PRF1 is on the minus strand). VCF-style: chr10-70598343-T-C. GRCh37 (hg19) VCF-style: chr10-72358099-T-C.
Other names: c.1378A>G, p.Ile460Val (NM_005041.6); short protein forms I460V.
Identifiers: ClinVar variation 2202040 (VCV002202040.1), dbSNP rs772281903, ClinGen allele CA5538757.